The following is an entry in ClinVar:

ClinVar aggregate classification (germline): Conflicting classifications of pathogenicity. Review status: criteria provided, conflicting classifications (1 of 4 stars). 2 submissions from 2 submitters: Uncertain significance (1); Likely benign (1). Last evaluated 2025-04-11.

Conditions:
Mitochondrial DNA depletion syndrome, encephalomyopathic form with methylmalonic aciduria (MTDPS5). Also called: Mitochondrial encephalomyopathy aminoacidopathy; SUCLA2-Related Mitochondrial DNA Depletion Syndrome, Encephalomyopathic Form with Methylmalonic Aciduria; MITOCHONDRIAL DNA DEPLETION SYNDROME, ENCEPHALOMYOPATHIC FORM, WITH OR WITHOUT METHYLMALONIC ACIDURIA, AUTOSOMAL RECESSIVE, SUCLA2-RELATED; Mitochondrial DNA depletion syndrome 5 (encephalomyopathic with or without methylmalonic aciduria). Identifiers: Orphanet 1933, MedGen C5980207, MONDO:0012791, OMIM 612073.
Inborn genetic diseases. Identifiers: MedGen C0950123, MeSH D030342.

gnomAD v4.1: 6 of 1,603,450 alleles (0.00037%); highest among the groups gnomAD compares: Non-Finnish European, 0.00051%; no homozygotes.

Submissions (2):

Ambry Genetics
Classification: Likely benign for Inborn genetic diseases. Last evaluated: 2025-04-11. Review status: criteria provided, single submitter. Criteria: Ambry Variant Classification Scheme 2023. Collection method: clinical testing. Allele origin: germline.

Labcorp Genetics (formerly Invitae), Labcorp
Classification: Uncertain significance for Mitochondrial DNA depletion syndrome, encephalomyopathic form with methylmalonic aciduria. Last evaluated: 2022-05-19. Review status: criteria provided, single submitter. Criteria: Invitae Variant Classification Sherloc (09022015). Collection method: clinical testing. Allele origin: germline.
Comment: In summary, the available evidence is currently insufficient to determine the role of this variant in disease. Therefore, it has been classified as a Variant of Uncertain Significance. Algorithms developed to predict the effect of missense changes on protein structure and function output the following: SIFT: "Tolerated"; PolyPhen-2: "Benign"; Align-GVGD: "Class C0". The valine amino acid residue is found in multiple mammalian species, which suggests that this missense change does not adversely affect protein function. This variant has not been reported in the literature in individuals affected with SUCLA2-related conditions. This variant is not present in population databases (gnomAD no frequency). This sequence change replaces methionine, which is neutral and non-polar, with valine, which is neutral and non-polar, at codon 5 of the SUCLA2 protein (p.Met5Val).

NM_003850.3(SUCLA2):c.13A>G (p.Met5Val)

Gene: SUCLA2 (succinate-CoA ligase ADP-forming subunit beta; minus strand). Cytogenetic location: 13q14.2.
Variant type: single nucleotide variant.
Coding change: c.13A>G on transcript NM_003850.3 (MANE Select); coding-DNA position 13, A replaced by G.
Protein change: p.Met5Val; replaces methionine 5 with valine.
Molecular consequence: missense variant.
Genome position (GRCh38, 1-based): chr13:48,001,257, T>C on the plus strand (A>G on the coding strand, the complement: SUCLA2 is on the minus strand). VCF-style: chr13-48001257-T-C. GRCh37 (hg19) VCF-style: chr13-48575393-T-C.
Other names: c.13A>G (NM_003850.2); short protein forms M5V.
Identifiers: ClinVar variation 2155671 (VCV002155671.5), dbSNP rs1031739823, ClinGen allele CA249283617.